The following is an entry in ClinVar:

NM_002872.5(RAC2):c.517A>C (p.Ile173Leu)

Gene: RAC2 (Rac family small GTPase 2; minus strand). Cytogenetic location: 22q13.1.
Variant type: single nucleotide variant.
Coding change: c.517A>C on transcript NM_002872.5 (MANE Select); coding-DNA position 517, A replaced by C.
Protein change: p.Ile173Leu; replaces isoleucine 173 with leucine.
Molecular consequence: missense variant.
Genome position (GRCh38, 1-based): chr22:37,226,735, T>G on the plus strand (A>C on the coding strand, the complement: RAC2 is on the minus strand). VCF-style: chr22-37226735-T-G. GRCh37 (hg19) VCF-style: chr22-37622775-T-G.
Other names: short protein forms I173L.
Identifiers: ClinVar variation 1375066 (VCV001375066.6), dbSNP rs2145819300, ClinGen allele CA411441920.

ClinVar aggregate classification (germline): Uncertain significance (1 of 4 stars; one submission).

Conditions:
Neutrophil immunodeficiency syndrome. Also called: Immunodeficiency 73A with defective neutrophil chemotaxis and leukocytosis. Identifiers: Orphanet 183707, MedGen C1842398, MONDO:0011988, OMIM 608203.

Submission:

Labcorp Genetics (formerly Invitae), Labcorp
Classification: Uncertain significance for Neutrophil immunodeficiency syndrome. Last evaluated: 2022-08-16. Review status: criteria provided, single submitter. Criteria: Invitae Variant Classification Sherloc (09022015). Collection method: clinical testing. Allele origin: germline.
Comment: ClinVar contains an entry for this variant (Variation ID: 1375066). In summary, the available evidence is currently insufficient to determine the role of this variant in disease. Therefore, it has been classified as a Variant of Uncertain Significance. Algorithms developed to predict the effect of missense changes on protein structure and function are either unavailable or do not agree on the potential impact of this missense change (SIFT: "Deleterious"; PolyPhen-2: "Benign"; Align-GVGD: "Class C0"). This variant has not been reported in the literature in individuals affected with RAC2-related conditions. This variant is not present in population databases (gnomAD no frequency). This sequence change replaces isoleucine, which is neutral and non-polar, with leucine, which is neutral and non-polar, at codon 173 of the RAC2 protein (p.Ile173Leu).